The following is an entry in ClinVar:

ClinVar aggregate classification (germline): Conflicting classifications of pathogenicity. Review status: criteria provided, conflicting classifications (1 of 4 stars). 3 submissions from 3 submitters: Uncertain significance (2); Likely benign (1). Last evaluated 2025-09-10.

Conditions:
RBM20-related disorder. Also called: RBM20-related condition.
Cardiovascular phenotype. Identifiers: MedGen CN230736.
Dilated cardiomyopathy 1DD (CMD1DD). Identifiers: Orphanet 154, MedGen C2750995, MONDO:0013168, OMIM 613172.

Allele frequency attached by ClinVar (database versions not stated): gnomAD 0.00001; gnomAD exomes 0.00001 and 0.00005; TOPMed 0.00002.
gnomAD v4.1: 17 of 1,551,390 alleles (0.0011%); highest among the groups gnomAD compares: Admixed American, 0.016%; no homozygotes.

Submissions (3):

Labcorp Genetics (formerly Invitae), Labcorp
Classification: Likely benign for Dilated cardiomyopathy 1DD. Last evaluated: 2025-09-10. Review status: criteria provided, single submitter. Criteria: Invitae Variant Classification Sherloc (09022015). Collection method: clinical testing. Allele origin: germline.

Ambry Genetics
Classification: Uncertain significance for Cardiovascular phenotype. Last evaluated: 2024-03-24. Review status: criteria provided, single submitter. Criteria: Ambry Variant Classification Scheme 2023. Collection method: clinical testing. Allele origin: germline.
Comment: The p.S654P variant (also known as c.1960T>C), located in coding exon 9 of the RBM20 gene, results from a T to C substitution at nucleotide position 1960. The serine at codon 654 is replaced by proline, an amino acid with similar properties. This amino acid position is highly conserved in available vertebrate species. In addition, the in silico prediction for this alteration is inconclusive. Since supporting evidence is limited at this time, the clinical significance of this alteration remains unclear.

PreventionGenetics, part of Exact Sciences
Classification: Uncertain significance for RBM20-related condition. Last evaluated: 2023-03-06. Review status: criteria provided, single submitter. Criteria: ACMG Guidelines, 2015. Collection method: clinical testing. Allele origin: germline.
Comment: The RBM20 c.1960T>C variant is predicted to result in the amino acid substitution p.Ser654Pro. To our knowledge, this variant has not been reported in the literature. This variant is reported in 0.032% of alleles in individuals of Latino descent in gnomAD, which may be too common to be an undocumented disease-causing variant. Although we suspect that this variant may be benign, at this time, the clinical significance of this variant is uncertain due to the absence of conclusive functional and genetic evidence.

NM_001134363.3(RBM20):c.1960T>C (p.Ser654Pro)

Gene: RBM20 (RNA binding motif protein 20; plus strand). Cytogenetic location: 10q25.2.
Variant type: single nucleotide variant.
Coding change: c.1960T>C on transcript NM_001134363.3 (MANE Select); coding-DNA position 1960, T replaced by C.
Protein change: p.Ser654Pro; replaces serine 654 with proline.
Molecular consequence: missense variant.
Genome position (GRCh38, 1-based): chr10:110,812,357, T>C. VCF-style: chr10-110812357-T-C. GRCh37 (hg19) VCF-style: chr10-112572115-T-C.
Other names: c.1960T>C (NM_001134363.2); short protein forms S654P.
Identifiers: ClinVar variation 1367597 (VCV001367597.11), dbSNP rs1275195637, ClinGen allele CA378370535.
Genomic context (GRCh38, chr10:110,812,357, plus strand): 5'-CGGTCTCGTAGTCCGGTGAGCCGGTCACTCTCCCCGAGGTCCCACACTCCCAGCTTCACC[T>C]CCTGCAGCTCTTCCCACAGCCCTCCGGGCCCCTCCCGGGCTGACTGGGGCAATGGCCGGG-3'
Protein context (NP_001127835.2, residues 644-664): SPRSHTPSFT[Ser654Pro]CSSSHSPPGP